The following is an entry in ClinVar:

NM_001105206.3(LAMA4):c.5378T>C (p.Ile1793Thr)

Gene: LAMA4 (laminin subunit alpha 4; minus strand). Cytogenetic location: 6q21.
Variant type: single nucleotide variant.
Coding change: c.5378T>C on transcript NM_001105206.3 (MANE Select); coding-DNA position 5378, T replaced by C.
Protein change: p.Ile1793Thr; replaces isoleucine 1793 with threonine.
Molecular consequence: missense variant.
Genome position (GRCh38, 1-based): chr6:112,109,531, A>G on the plus strand (T>C on the coding strand, the complement: LAMA4 is on the minus strand). VCF-style: chr6-112109531-A-G. GRCh37 (hg19) VCF-style: chr6-112430734-A-G.
Other names: c.5357T>C, p.Ile1786Thr (NM_001105207.3, NM_002290.5); short protein forms I1786T, I1793T.
Identifiers: ClinVar variation 4045965 (VCV004045965.1).
Genomic context (GRCh38, chr6:112,109,531, plus strand): 5'-CCGCTGACCAGGGCTGCTTTACTGAAGCTCACTGGGTGTCCATCAATCACAAAGTGGCGT[A>G]TGCAGCCTGTGAAGGGTTTGCTGGGGGCCAAGCGTGGTGTCAGTAGAGATTCTGAAAAGA-3'
Protein context (NP_001098676.2, residues 1783-1803): LAPSKPFTGC[Ile1793Thr]RHFVIDGHPV

ClinVar aggregate classification (germline): Uncertain significance (1 of 4 stars; one submission).

Conditions:
Cardiovascular phenotype. Identifiers: MedGen CN230736.

Submission:

Ambry Genetics
Classification: Uncertain significance for Cardiovascular phenotype. Last evaluated: 2025-06-10. Review status: criteria provided, single submitter. Criteria: Ambry Variant Classification Scheme 2023. Collection method: clinical testing. Allele origin: germline.
Comment: The p.I1786T variant (also known as c.5357T>C), located in coding exon 38 of the LAMA4 gene, results from a T to C substitution at nucleotide position 5357. The isoleucine at codon 1786 is replaced by threonine, an amino acid with similar properties. This amino acid position is conserved. In addition, this alteration is predicted to be deleterious by in silico analysis. Based on the available evidence, the clinical significance of this variant remains unclear.